The following is an entry in ClinVar:

ClinVar aggregate classification (germline): Benign/Likely benign. Review status: criteria provided, multiple submitters, no conflicts (2 of 4 stars). 5 submissions from 5 submitters: Benign (2); Likely benign (2). 1 of the submissions does not count toward it. Last evaluated 2026-02-01.

Conditions:
SEC61A1-related disorder. Also called: SEC61A1-related condition.

Allele frequency attached by ClinVar (database versions not stated): gnomAD 0.00078 and 0.00072; ExAC 0.00084; ESP Exome Variant Server 0.00062; gnomAD exomes 0.00105 and 0.00066; 1000 Genomes Project 0.00080; TOPMed 0.00113; 1000 Genomes Project 30x 0.00078.
gnomAD v4.1: 1,124 of 1,614,084 alleles (0.07%); highest among the groups gnomAD compares: Middle Eastern, 0.79%; 4 homozygotes.

Submissions (5):

CeGaT Center for Human Genetics Tuebingen
Classification: Likely benign. Last evaluated: 2026-02-01. Review status: criteria provided, single submitter. Criteria: CeGaT Center For Human Genetics Tuebingen Variant Classification Criteria Version 2. Collection method: clinical testing. Allele origin: germline. Affected: yes. Observed: 5 variant alleles.
Comment: SEC61A1: BP4, BP7

Labcorp Genetics (formerly Invitae), Labcorp
Classification: Benign. Last evaluated: 2026-01-20. Review status: criteria provided, single submitter. Criteria: Invitae Variant Classification Sherloc (09022015). Collection method: clinical testing. Allele origin: germline.

Blueprint Genetics
Classification: Likely benign. Last evaluated: 2024-11-19. Review status: criteria provided, single submitter. Criteria: ACMG Guidelines, 2015. Collection method: clinical testing. Allele origin: germline.

Breakthrough Genomics
Classification: Benign. Review status: criteria provided, single submitter. Criteria: ACMG Guidelines, 2015. Collection method: not provided. Allele origin: germline. Inheritance: Autosomal dominant inheritance. Affected: yes.

PreventionGenetics, part of Exact Sciences
Classification: Likely benign for SEC61A1-related condition. Last evaluated: 2019-09-18. Review status: no assertion criteria provided. Collection method: clinical testing. Allele origin: germline. Not counted in ClinVar's aggregate classification.
Comment: This variant is classified as likely benign based on ACMG/AMP sequence variant interpretation guidelines (Richards et al. 2015 PMID: 25741868, with internal and published modifications).

NM_013336.4(SEC61A1):c.1335C>T (p.Thr445=)

Genes: RUVBL1 (RuvB like AAA ATPase 1; minus strand), SEC61A1 (SEC61 translocon subunit alpha 1; plus strand). Cytogenetic location: 3q21.3.
Variant type: single nucleotide variant.
Coding change: c.1335C>T on transcript NM_013336.4 (MANE Select); coding-DNA position 1335, C replaced by T.
Protein change: p.Thr445=; no amino-acid change (threonine 445 retained).
Molecular consequence: synonymous variant. On other transcripts: intron variant (1).
Genome position (GRCh38, 1-based): chr3:128,069,566, C>T. VCF-style: chr3-128069566-C-T. GRCh37 (hg19) VCF-style: chr3-127788409-C-T.
Other names: c.1353C>T, p.Thr451= (NM_001400328.1); c.1176C>T, p.Thr392= (NM_001400329.1); c.940-4346G>A (NM_001319086.1).
Identifiers: ClinVar variation 1166254 (VCV001166254.34), dbSNP rs147269024, ClinGen allele CA2598637.
Genomic context (GRCh38, chr3:128,069,566, plus strand): 5'-GCTGTGCATCGGGGCCCTCTCGGTCCTGGCTGACTTCCTAGGCGCCATTGGGTCTGGAAC[C>T]GGGATCCTGCTCGCAGTCACAATCATCTACCAGTACTTTGAGATCTTCGTTAAGGAGCAA-3'
Protein context (NP_037468.1, residues 435-455): ADFLGAIGSG[Thr445=]GILLAVTIIY